The following is an entry in ClinVar:

ClinVar aggregate classification (germline): Uncertain significance (1 of 4 stars; one submission).

Allele frequency attached by ClinVar (database versions not stated): gnomAD exomes below 0.00001; ExAC 0.00001.
gnomAD v4.1: 1 of 1,612,194 alleles (0.000062%); highest among the groups gnomAD compares: Admixed American, 0.0017%; no homozygotes.

Submission:

Labcorp Genetics (formerly Invitae), Labcorp
Classification: Uncertain significance. Last evaluated: 2021-12-19. Review status: criteria provided, single submitter. Criteria: Invitae Variant Classification Sherloc (09022015). Collection method: clinical testing. Allele origin: germline.
Comment: This sequence change falls in intron 10 of the ACBD5 gene. It does not directly change the encoded amino acid sequence of the ACBD5 protein. It affects a nucleotide within the consensus splice site. This variant is present in population databases (rs758707664, gnomAD 0.003%). This variant has not been reported in the literature in individuals affected with ACBD5-related conditions. Variants that disrupt the consensus splice site are a relatively common cause of aberrant splicing (PMID: 17576681, 9536098). Algorithms developed to predict the effect of sequence changes on RNA splicing suggest that this variant is not likely to affect RNA splicing. In summary, the available evidence is currently insufficient to determine the role of this variant in disease. Therefore, it has been classified as a Variant of Uncertain Significance.

Literature cited by the submitters: PubMed 17576681; PubMed 9536098.

NM_145698.5(ACBD5):c.1405-3C>T

Gene: ACBD5 (acyl-CoA binding domain containing 5; minus strand). Cytogenetic location: 10p12.1.
Variant type: single nucleotide variant.
Coding change: c.1405-3C>T on transcript NM_145698.5 (MANE Select); 3 bases into the intron before coding-DNA position 1405, C replaced by T.
Molecular consequence: intron variant.
Genome position (GRCh38, 1-based): chr10:27,205,251, G>A on the plus strand (C>T on the coding strand, the complement: ACBD5 is on the minus strand). VCF-style: chr10-27205251-G-A. GRCh37 (hg19) VCF-style: chr10-27494180-G-A.
Other names: c.1405-3C>T (NM_001352570.1); c.1078-3C>T (NM_001301253.2, NM_001301251.2, NM_001352583.1 and 2 more transcripts); c.1246-3C>T (NM_001352580.2); c.1300-3C>T (NM_001352577.2, NM_001042473.4, NM_001352578.2 and 1 more transcripts); c.1333-3C>T (NM_001352575.2, NM_001352574.2, NM_001352576.2); c.1096-3C>T (NM_001352582.2); c.1111-3C>T (NM_001352585.1); c.1426-3C>T (NM_001352572.1); and 10 more.
Identifiers: ClinVar variation 1912812 (VCV001912812.2), dbSNP rs758707664, ClinGen allele CA5450654.